The following is an entry in ClinVar:

NM_002439.5(MSH3):c.2348C>A (p.Pro783His)

Gene: MSH3 (mutS homolog 3; plus strand). Cytogenetic location: 5q14.1.
Variant type: single nucleotide variant.
Coding change: c.2348C>A on transcript NM_002439.5 (MANE Select); coding-DNA position 2348, C replaced by A.
Protein change: p.Pro783His; replaces proline 783 with histidine.
Molecular consequence: missense variant.
Genome position (GRCh38, 1-based): chr5:80,778,749, C>A. VCF-style: chr5-80778749-C-A. GRCh37 (hg19) VCF-style: chr5-80074568-C-A.
Other names: short protein forms P783H.
Identifiers: ClinVar variation 655673 (VCV000655673.11), dbSNP rs758635700, ClinGen allele CA3328229.

ClinVar aggregate classification (germline): Uncertain significance. Review status: criteria provided, multiple submitters, no conflicts (2 of 4 stars). 2 submissions from 2 submitters: Uncertain significance (2). Last evaluated 2024-03-25.

Conditions:
Hereditary cancer-predisposing syndrome. Also called: Hereditary neoplastic syndrome; Tumor predisposition; Neoplastic Syndromes, Hereditary; Hereditary Cancer Syndrome. Identifiers: Orphanet 140162, MedGen C0027672, MeSH D009386, MONDO:0015356.

Allele frequency attached by ClinVar (database versions not stated): ExAC 0.00001; gnomAD exomes below 0.00001.
gnomAD v4.1: 3 of 1,612,440 alleles (0.00019%); highest among the groups gnomAD compares: Non-Finnish European, 0.00017%; no homozygotes.

Submissions (2):

Labcorp Genetics (formerly Invitae), Labcorp
Classification: Uncertain significance. Last evaluated: 2024-03-25. Review status: criteria provided, single submitter. Criteria: Invitae Variant Classification Sherloc (09022015). Collection method: clinical testing. Allele origin: germline.
Comment: This sequence change replaces proline, which is neutral and non-polar, with histidine, which is basic and polar, at codon 783 of the MSH3 protein (p.Pro783His). This variant is present in population databases (rs758635700, gnomAD 0.0009%). This variant has not been reported in the literature in individuals affected with MSH3-related conditions. ClinVar contains an entry for this variant (Variation ID: 655673). An algorithm developed to predict the effect of missense changes on protein structure and function (PolyPhen-2) suggests that this variant is likely to be disruptive. In summary, the available evidence is currently insufficient to determine the role of this variant in disease. Therefore, it has been classified as a Variant of Uncertain Significance.

Ambry Genetics
Classification: Uncertain significance for Hereditary cancer-predisposing syndrome. Last evaluated: 2022-03-03. Review status: criteria provided, single submitter. Criteria: Ambry Variant Classification Scheme 2023. Collection method: clinical testing. Allele origin: germline.
Comment: The p.P783H variant (also known as c.2348C>A), located in coding exon 17 of the MSH3 gene, results from a C to A substitution at nucleotide position 2348. The proline at codon 783 is replaced by histidine, an amino acid with similar properties. This amino acid position is conserved. In addition, this alteration is predicted to be deleterious by in silico analysis. Since supporting evidence is limited at this time, the clinical significance of this alteration remains unclear.